The following is an entry in ClinVar:

ClinVar aggregate classification (germline): Uncertain significance (1 of 4 stars; one submission).

Conditions:
Hypokalemic periodic paralysis, type 1. Also called: Hypokalemic Periodic Paralysis Type 1 (AD); HypoPP. Identifiers: Orphanet 681, MedGen C3714580, MONDO:0042979, OMIM 170400.
Malignant hyperthermia, susceptibility to, 5 (MHS5). Also called: CACNA1S-Related Malignant Hyperthermia Susceptibility. Identifiers: Orphanet 423, MedGen C1866077, MONDO:0011163, OMIM 601887.

gnomAD v4.1: 2 of 1,608,512 alleles (0.00012%); highest among the groups gnomAD compares: African/African-American, 0.0013%; no homozygotes.

Submission:

Labcorp Genetics (formerly Invitae), Labcorp
Classification: Uncertain significance for Hypokalemic periodic paralysis, type 1; Malignant hyperthermia, susceptibility to, 5. Last evaluated: 2024-09-15. Review status: criteria provided, single submitter. Criteria: Invitae Variant Classification Sherloc (09022015). Collection method: clinical testing. Allele origin: germline.
Comment: This sequence change replaces alanine, which is neutral and non-polar, with valine, which is neutral and non-polar, at codon 1174 of the CACNA1S protein (p.Ala1174Val). This variant is present in population databases (no rsID available, gnomAD 0.01%). This variant has not been reported in the literature in individuals affected with CACNA1S-related conditions. Invitae Evidence Modeling of protein sequence and biophysical properties (such as structural, functional, and spatial information, amino acid conservation, physicochemical variation, residue mobility, and thermodynamic stability) indicates that this missense variant is not expected to disrupt CACNA1S protein function with a negative predictive value of 80%. In summary, the available evidence is currently insufficient to determine the role of this variant in disease. Therefore, it has been classified as a Variant of Uncertain Significance.

NM_000069.3(CACNA1S):c.3521C>T (p.Ala1174Val)

Gene: CACNA1S (calcium voltage-gated channel subunit alpha1 S; minus strand). Cytogenetic location: 1q32.1.
Variant type: single nucleotide variant.
Coding change: c.3521C>T on transcript NM_000069.3 (MANE Select); coding-DNA position 3521, C replaced by T.
Protein change: p.Ala1174Val; replaces alanine 1174 with valine.
Molecular consequence: missense variant.
Genome position (GRCh38, 1-based): chr1:201,059,193, G>A on the plus strand (C>T on the coding strand, the complement: CACNA1S is on the minus strand). VCF-style: chr1-201059193-G-A. GRCh37 (hg19) VCF-style: chr1-201028321-G-A.
Other names: short protein forms A1174V.
Identifiers: ClinVar variation 3761909 (VCV003761909.2).
Genomic context (GRCh38, chr1:201,059,193, plus strand): 5'-AAGGTCCCACCCACCAGCCCCAGCTTCTCATCTGGCCCGGTGGCCCCCACACTCACCCTG[G>A]CCTTGAAGGCCATGAGCTTGAGGATCATCTCCAGGGTGAAGATGATAGTGAAGGCCACAT-3'
Protein context (NP_000060.2, residues 1164-1184): EMILKLMAFK[Ala1174Val]RGYFGDPWNV